The following is an entry in ClinVar:

ClinVar aggregate classification (germline): Uncertain significance (1 of 4 stars; one submission).

Conditions:
Renal cell carcinoma. Identifiers: Orphanet 217071, MedGen C0007134, MeSH D002292, MONDO:0005086, HP:0005584.

gnomAD v4.1: 2 of 1,594,302 alleles (0.00013%); highest among the groups gnomAD compares: Non-Finnish European, 0.00017%; no homozygotes.

Submission:

Labcorp Genetics (formerly Invitae), Labcorp
Classification: Uncertain significance for Renal cell carcinoma. Last evaluated: 2025-11-02. Review status: criteria provided, single submitter. Criteria: Invitae Variant Classification Sherloc (09022015). Collection method: clinical testing. Allele origin: germline.
Comment: This sequence change replaces arginine, which is basic and polar, with leucine, which is neutral and non-polar, at codon 359 of the MET protein (p.Arg359Leu). The frequency data for this variant in the population databases is considered unreliable, as metrics indicate poor data quality at this position in the gnomAD database. This variant has not been reported in the literature in individuals affected with MET-related conditions. ClinVar contains an entry for this variant (Variation ID: 1045989). Invitae Evidence Modeling of protein sequence and biophysical properties (such as structural, functional, and spatial information, amino acid conservation, physicochemical variation, residue mobility, and thermodynamic stability) indicates that this missense variant is expected to disrupt MET protein function with a positive predictive value of 80%. In summary, the available evidence is currently insufficient to determine the role of this variant in disease. Therefore, it has been classified as a Variant of Uncertain Significance.

NM_000245.4(MET):c.1076G>T (p.Arg359Leu)

Gene: MET (MET proto-oncogene, receptor tyrosine kinase; plus strand). Cytogenetic location: 7q31.2.
Variant type: single nucleotide variant.
Coding change: c.1076G>T on transcript NM_000245.4 (MANE Select); coding-DNA position 1076, G replaced by T.
Protein change: p.Arg359Leu; replaces arginine 359 with leucine.
Molecular consequence: missense variant. On other transcripts: intron variant (1).
Genome position (GRCh38, 1-based): chr7:116,700,160, G>T. VCF-style: chr7-116700160-G-T. GRCh37 (hg19) VCF-style: chr7-116340214-G-T.
Other names: c.1076G>T, p.Arg359Leu (NM_001127500.3, NM_001324401.3); c.-91+27583G>T (NM_001324402.2); short protein forms R359L.
Identifiers: ClinVar variation 1045989 (VCV001045989.6), dbSNP rs201274041, ClinGen allele CA4448065.